The following is an entry in ClinVar:

NM_000038.6(APC):c.7187C>T (p.Ser2396Phe)

Gene: APC (APC regulator of Wnt signaling pathway; plus strand). Cytogenetic location: 5q22.2.
Variant type: single nucleotide variant.
Coding change: c.7187C>T on transcript NM_000038.6 (MANE Select); coding-DNA position 7187, C replaced by T.
Protein change: p.Ser2396Phe; replaces serine 2396 with phenylalanine.
Molecular consequence: missense variant. On other transcripts: non-coding transcript variant (2).
Genome position (GRCh38, 1-based): chr5:112,842,781, C>T. VCF-style: chr5-112842781-C-T. GRCh37 (hg19) VCF-style: chr5-112178478-C-T.
Other names: c.7187C>T, p.Ser2396Phe (NM_001127510.3, NM_001354895.2, NM_001407450.1); c.7133C>T, p.Ser2378Phe (NM_001127511.3); c.7241C>T, p.Ser2414Phe (NM_001354896.2, NM_001407447.1, NM_001407448.1 and 1 more transcripts); c.7217C>T, p.Ser2406Phe (NM_001354897.2); c.7112C>T, p.Ser2371Phe (NM_001354898.2); c.7103C>T, p.Ser2368Phe (NM_001354899.2); c.7064C>T, p.Ser2355Phe (NM_001354900.2); c.7010C>T, p.Ser2337Phe (NM_001354901.2, NM_001407453.1); and 11 more; short protein forms S2012F, S2270F, S2305F, S2337F, S2389F, S2424F, S2355F, S2371F.
Identifiers: ClinVar variation 3708042 (VCV003708042.2).
Genomic context (GRCh38, chr5:112,842,781, plus strand): 5'-AGAACCTTACCAAACAAACAGGTTTATCCAAGAATGCCAGTAGTATTCCAAGAAGTGAGT[C>T]TGCCTCCAAAGGACTAAATCAGATGAATAATGGTAATGGAGCCAATAAAAAGGTAGAACT-3'
Protein context (NP_000029.2, residues 2386-2406): KNASSIPRSE[Ser2396Phe]ASKGLNQMNN

ClinVar aggregate classification (germline): Uncertain significance (1 of 4 stars; one submission).

Conditions:
Familial adenomatous polyposis 1 (FAP1). Also called: POLYPOSIS, ADENOMATOUS INTESTINAL; FAMILIAL ADENOMATOUS POLYPOSIS 1, ATTENUATED. Identifiers: MedGen C2713442, MONDO:0021056, OMIM 175100. Disease mechanism: loss of function.

Submission:

Labcorp Genetics (formerly Invitae), Labcorp
Classification: Uncertain significance for Familial adenomatous polyposis 1. Last evaluated: 2024-02-13. Review status: criteria provided, single submitter. Criteria: Invitae Variant Classification Sherloc (09022015). Collection method: clinical testing. Allele origin: germline.
Comment: This sequence change replaces serine, which is neutral and polar, with phenylalanine, which is neutral and non-polar, at codon 2396 of the APC protein (p.Ser2396Phe). This variant is not present in population databases (gnomAD no frequency). This variant has not been reported in the literature in individuals affected with APC-related conditions. Advanced modeling of protein sequence and biophysical properties (such as structural, functional, and spatial information, amino acid conservation, physicochemical variation, residue mobility, and thermodynamic stability) performed at Invitae indicates that this missense variant is not expected to disrupt APC protein function with a negative predictive value of 95%. In summary, the available evidence is currently insufficient to determine the role of this variant in disease. Therefore, it has been classified as a Variant of Uncertain Significance.